The following is an entry in ClinVar:

NM_002615.7(SERPINF1):c.316C>T (p.Arg106Trp)

Gene: SERPINF1 (serpin family F member 1; plus strand). Cytogenetic location: 17p13.3.
Variant type: single nucleotide variant.
Coding change: c.316C>T on transcript NM_002615.7 (MANE Select); coding-DNA position 316, C replaced by T.
Protein change: p.Arg106Trp; replaces arginine 106 with tryptophan.
Molecular consequence: missense variant. On other transcripts: 5 prime UTR variant (1).
Genome position (GRCh38, 1-based): chr17:1,771,061, C>T. VCF-style: chr17-1771061-C-T. GRCh37 (hg19) VCF-style: chr17-1674355-C-T.
Other names: c.316C>T (NM_002615.5); c.316C>T, p.Arg106Trp (NM_001329903.2); c.-246C>T (NM_001329904.2); short protein forms R106W.
Identifiers: ClinVar variation 1677141 (VCV001677141.3), dbSNP rs781059865, ClinGen allele CA8274645.

ClinVar aggregate classification (germline): Uncertain significance. Review status: criteria provided, multiple submitters, no conflicts (2 of 4 stars). 3 submissions from 3 submitters: Uncertain significance (3). Last evaluated 2025-11-23.

Conditions:
Inborn genetic diseases. Identifiers: MedGen C0950123, MeSH D030342.

Allele frequency attached by ClinVar (database versions not stated): gnomAD 0.00001; ExAC 0.00002; gnomAD exomes 0.00002; TOPMed 0.00003.

Submissions (3):

Labcorp Genetics (formerly Invitae), Labcorp
Classification: Uncertain significance. Last evaluated: 2025-11-23. Review status: criteria provided, single submitter. Criteria: Invitae Variant Classification Sherloc (09022015). Collection method: clinical testing. Allele origin: germline.
Comment: This sequence change replaces arginine, which is basic and polar, with tryptophan, which is neutral and slightly polar, at codon 106 of the SERPINF1 protein (p.Arg106Trp). This variant is present in population databases (rs781059865, gnomAD 0.003%). This variant has not been reported in the literature in individuals affected with SERPINF1-related conditions. ClinVar contains an entry for this variant (Variation ID: 1677141). Invitae Evidence Modeling of protein sequence and biophysical properties (such as structural, functional, and spatial information, amino acid conservation, physicochemical variation, residue mobility, and thermodynamic stability) indicates that this missense variant is expected to disrupt SERPINF1 protein function with a positive predictive value of 80%. In summary, the available evidence is currently insufficient to determine the role of this variant in disease. Therefore, it has been classified as a Variant of Uncertain Significance.

Ambry Genetics
Classification: Uncertain significance for Inborn genetic diseases. Last evaluated: 2023-12-01. Review status: criteria provided, single submitter. Criteria: Ambry Variant Classification Scheme 2023. Collection method: clinical testing. Allele origin: germline.

Women's Health and Genetics/Laboratory Corporation of America, LabCorp
Classification: Uncertain significance. Last evaluated: 2022-03-18. Review status: criteria provided, single submitter. Criteria: LabCorp Variant Classification Summary - May 2015. Collection method: clinical testing. Allele origin: germline.